The following is an entry in ClinVar:

ClinVar aggregate classification (germline): Uncertain significance. Review status: criteria provided, multiple submitters, no conflicts (2 of 4 stars). 2 submissions from 2 submitters: Uncertain significance (2). Last evaluated 2025-04-25.

Allele frequency attached by ClinVar (database versions not stated): ExAC 0.00005; gnomAD exomes 0.00005; ESP Exome Variant Server 0.00008; gnomAD 0.00009; TOPMed 0.00009.
gnomAD v4.1: 89 of 1,613,582 alleles (0.0055%); highest among the groups gnomAD compares: Non-Finnish European, 0.0069%; no homozygotes.

Submissions (2):

GeneDx
Classification: Uncertain significance. Last evaluated: 2025-04-25. Review status: criteria provided, single submitter. Criteria: GeneDx Variant Classification Process June 2021. Collection method: clinical testing. Allele origin: germline. Affected: yes.
Comment: In silico analysis supports a deleterious effect on splicing and on protein structure/function; This variant is associated with the following publications: (PMID: 26969326)

Women's Health and Genetics/Laboratory Corporation of America, LabCorp
Classification: Uncertain significance. Last evaluated: 2023-07-24. Review status: criteria provided, single submitter. Criteria: LabCorp Variant Classification Summary - May 2015. Collection method: clinical testing. Allele origin: germline.
Comment: Variant summary: TMPRSS3 c.1286A>G (p.Asn429Ser) results in a conservative amino acid change to a highly conserved residue located in the Serine proteases, trypsin domain (IPR001254) of the encoded protein sequence. Three of five in-silico tools predict a damaging effect of the variant on protein function. The variant allele was found at a frequency of 4e-05 in 251374 control chromosomes (gnomAD). c.1286A>G has been reported in the literature in an individual affected with autosomal recessive non-syndromic hearing loss who was reported as compound heterozygous with a (likely) pathogenic variant (Sloan-Heggen_2016). These data suggest the variant may be associated with disease. To our knowledge, no experimental evidence demonstrating an impact on protein function has been reported. The following publication has been ascertained in the context of this evaluation (PMID: 26969326). One submitter has cited a clinical-significance assessment for this variant to ClinVar after 2014 and has classified the variant as uncertain significance. Based on the evidence outlined above, the variant was classified as VUS-possibly pathogenic.

Literature cited by the submitters: PubMed 26969326 (cited by Women's Health and Genetics/Laboratory Corporation of America, LabCorp).

NM_001256317.3(TMPRSS3):c.1283A>G (p.Asn428Ser)

Gene: TMPRSS3 (transmembrane serine protease 3; minus strand). Cytogenetic location: 21q22.3.
Variant type: single nucleotide variant.
Coding change: c.1283A>G on transcript NM_001256317.3 (MANE Select); coding-DNA position 1283, A replaced by G.
Protein change: p.Asn428Ser; replaces asparagine 428 with serine.
Molecular consequence: missense variant.
Genome position (GRCh38, 1-based): chr21:42,375,777, T>C on the plus strand (A>G on the coding strand, the complement: TMPRSS3 is on the minus strand). VCF-style: chr21-42375777-T-C. GRCh37 (hg19) VCF-style: chr21-43795886-T-C.
Other names: c.1286A>G, p.Asn429Ser (NM_024022.4); c.905A>G, p.Asn302Ser (NM_032404.3); short protein forms N302S, N428S, N429S.
Identifiers: ClinVar variation 1710851 (VCV001710851.4), dbSNP rs144344468, ClinGen allele CA10042259.